The following is an entry in ClinVar:

NM_001127208.3(TET2):c.2286C>G (p.His762Gln)

Genes: TET2 (tet methylcytosine dioxygenase 2; plus strand), TET2-AS1 (TET2 antisense RNA 1; minus strand). Cytogenetic location: 4q24.
Variant type: single nucleotide variant.
Coding change: c.2286C>G on transcript NM_001127208.3 (MANE Select); coding-DNA position 2286, C replaced by G.
Protein change: p.His762Gln; replaces histidine 762 with glutamine.
Molecular consequence: missense variant.
Genome position (GRCh38, 1-based): chr4:105,236,228, C>G. VCF-style: chr4-105236228-C-G. GRCh37 (hg19) VCF-style: chr4-106157385-C-G.
Other names: c.2286C>G, p.His762Gln (NM_017628.4); short protein forms H762Q.
Identifiers: ClinVar variation 4746584 (VCV004746584.1).
Genomic context (GRCh38, chr4:105,236,228, plus strand): 5'-GCAACAGCAGCAAAAATTACAAATAAAGAATAAAGAGGAAATACTCCAGACTTTTCCTCA[C>G]CCCCAAAGCAACAATGATCAGCAAAGAGAAGGATCATTCTTTGGCCAGACTAAAGTGGAA-3'
Protein context (NP_001120680.1, residues 752-772): NKEEILQTFP[His762Gln]PQSNNDQQRE

ClinVar aggregate classification (germline): Uncertain significance (1 of 4 stars; one submission).

gnomAD v4.1: 2 of 1,614,070 alleles (0.00012%); highest among the groups gnomAD compares: Non-Finnish European, 0.00017%; no homozygotes.

Submission:

Labcorp Genetics (formerly Invitae), Labcorp
Classification: Uncertain significance. Last evaluated: 2025-08-04. Review status: criteria provided, single submitter. Criteria: Invitae Variant Classification Sherloc (09022015). Collection method: clinical testing. Allele origin: germline.
Comment: This sequence change replaces histidine, which is basic and polar, with glutamine, which is neutral and polar, at codon 762 of the TET2 protein (p.His762Gln). This variant is present in population databases (no rsID available, gnomAD 0.0009%). This variant has not been reported in the literature in individuals affected with TET2-related conditions. An algorithm developed to predict the effect of missense changes on protein structure and function (PolyPhen-2) suggests that this variant is likely to be tolerated. In summary, the available evidence is currently insufficient to determine the role of this variant in disease. Therefore, it has been classified as a Variant of Uncertain Significance.